The following is an entry in ClinVar:

NM_004113.6(FGF12):c.306C>T (p.Tyr102=)

Gene: FGF12 (fibroblast growth factor 12; minus strand). Cytogenetic location: 3q28.
Variant type: single nucleotide variant.
Coding change: c.306C>T on transcript NM_004113.6 (MANE Select); coding-DNA position 306, C replaced by T.
Protein change: p.Tyr102=; no amino-acid change (tyrosine 102 retained).
Molecular consequence: synonymous variant.
Genome position (GRCh38, 1-based): chr3:192,170,579, G>A on the plus strand (C>T on the coding strand, the complement: FGF12 is on the minus strand). VCF-style: chr3-192170579-G-A. GRCh37 (hg19) VCF-style: chr3-191888368-G-A.
Other names: c.195C>T, p.Tyr65= (NM_001377292.1); c.234C>T, p.Tyr78= (NM_001377293.1, NM_001377294.1); c.492C>T, p.Tyr164= (NM_021032.5).
Identifiers: ClinVar variation 2654355 (VCV002654355.27), dbSNP rs1715496017, ClinGen allele CA437585323.
Genomic context (GRCh38, chr3:192,170,579, plus strand): 5'-CATAATTTGACCTTCTTTATTGAGTCCCAGAAACCAAGCTCGGCCTGATTCTTGCTGGCG[G>A]TACAGTGTGGAAGAATAGATCACATAGTAGTTTTCAAACACAGATTCCTTGAATTTGCAT-3'
Protein context (NP_004104.3, residues 92-112): NYYVIYSSTL[Tyr102=]RQQESGRAWF

ClinVar aggregate classification (germline): Likely benign. Review status: criteria provided, multiple submitters, no conflicts (2 of 4 stars). 2 submissions from 2 submitters: Likely benign (2). Last evaluated 2023-05-15.

Allele frequency attached by ClinVar (database versions not stated): gnomAD exomes below 0.00001.
gnomAD v4.1: 1 of 1,613,800 alleles (0.000062%); highest among the groups gnomAD compares: Admixed American, 0.0017%; no homozygotes.

Submissions (2):

Labcorp Genetics (formerly Invitae), Labcorp
Classification: Likely benign. Last evaluated: 2023-05-15. Review status: criteria provided, single submitter. Criteria: Invitae Variant Classification Sherloc (09022015). Collection method: clinical testing. Allele origin: germline.

CeGaT Center for Human Genetics Tuebingen
Classification: Likely benign. Last evaluated: 2022-10-01. Review status: criteria provided, single submitter. Criteria: CeGaT Center For Human Genetics Tuebingen Variant Classification Criteria Version 2. Collection method: clinical testing. Allele origin: germline. Affected: yes. Observed: 1 variant allele.
Comment: FGF12: PM2:Supporting, BP4, BP7